The following is an entry in ClinVar:

NM_016580.4(PCDH12):c.2905C>A (p.Leu969Met)

Genes: PCDH12 (protocadherin 12; minus strand), RNF14 (ring finger protein 14; plus strand). Cytogenetic location: 5q31.3.
Variant type: single nucleotide variant.
Coding change: c.2905C>A on transcript NM_016580.4 (MANE Select); coding-DNA position 2905, C replaced by A.
Protein change: p.Leu969Met; replaces leucine 969 with methionine.
Molecular consequence: missense variant.
Genome position (GRCh38, 1-based): chr5:141,951,566, G>T on the plus strand (C>A on the coding strand, the complement: PCDH12 is on the minus strand). VCF-style: chr5-141951566-G-T. GRCh37 (hg19) VCF-style: chr5-141331131-G-T.
Other names: c.2905C>A (NM_016580.2); short protein forms L969M.
Identifiers: ClinVar variation 2188702 (VCV002188702.5), dbSNP rs908964142, ClinGen allele CA128476870.

ClinVar aggregate classification (germline): Uncertain significance. Review status: criteria provided, multiple submitters, no conflicts (2 of 4 stars). 2 submissions from 2 submitters: Uncertain significance (2). Last evaluated 2025-08-03.

Conditions:
Inborn genetic diseases. Identifiers: MedGen C0950123, MeSH D030342.

Allele frequency attached by ClinVar (database versions not stated): TOPMed 0.00001; gnomAD 0.00003.
gnomAD v4.1: 7 of 1,614,054 alleles (0.00043%); highest among the groups gnomAD compares: Non-Finnish European, 0.00059%; no homozygotes.

Submissions (2):

Ambry Genetics
Classification: Uncertain significance for Inborn genetic diseases. Last evaluated: 2025-08-03. Review status: criteria provided, single submitter. Criteria: Ambry Variant Classification Scheme 2023. Collection method: clinical testing. Allele origin: germline.

Labcorp Genetics (formerly Invitae), Labcorp
Classification: Uncertain significance. Last evaluated: 2023-04-24. Review status: criteria provided, single submitter. Criteria: Invitae Variant Classification Sherloc (09022015). Collection method: clinical testing. Allele origin: germline.
Comment: Advanced modeling of protein sequence and biophysical properties (such as structural, functional, and spatial information, amino acid conservation, physicochemical variation, residue mobility, and thermodynamic stability) performed at Invitae indicates that this missense variant is not expected to disrupt PCDH12 protein function. ClinVar contains an entry for this variant (Variation ID: 2188702). This variant has not been reported in the literature in individuals affected with PCDH12-related conditions. This variant is not present in population databases (gnomAD no frequency). This sequence change replaces leucine, which is neutral and non-polar, with methionine, which is neutral and non-polar, at codon 969 of the PCDH12 protein (p.Leu969Met). In summary, the available evidence is currently insufficient to determine the role of this variant in disease. Therefore, it has been classified as a Variant of Uncertain Significance.